The following is an entry in ClinVar:

NM_001395656.1(ROBO2):c.4323C>T (p.Thr1441=)

Gene: ROBO2 (roundabout guidance receptor 2; plus strand). Cytogenetic location: 3p12.3.
Variant type: single nucleotide variant.
Coding change: c.4323C>T on transcript NM_001395656.1 (MANE Select); coding-DNA position 4323, C replaced by T.
Protein change: p.Thr1441=; no amino-acid change (threonine 1441 retained).
Molecular consequence: synonymous variant.
Genome position (GRCh38, 1-based): chr3:77,644,807, C>T. VCF-style: chr3-77644807-C-T. GRCh37 (hg19) VCF-style: chr3-77693958-C-T.
Other names: c.4107C>T, p.Thr1369= (NM_001394214.1); c.4233C>T, p.Thr1411= (NM_001395657.1, NM_001290040.2); c.4038C>T, p.Thr1346= (NM_002942.5); c.4086C>T, p.Thr1362= (NM_001128929.3); c.4050C>T, p.Thr1350= (NM_001290039.2); c.2259C>T, p.Thr753= (NM_001290065.2); c.4371C>T, p.Thr1457= (NM_001378190.1); c.4497C>T, p.Thr1499= (NM_001378191.1); and 11 more.
Identifiers: ClinVar variation 346713 (VCV000346713.8), dbSNP rs201527229, ClinGen allele CA2497828.

ClinVar aggregate classification (germline): Benign/Likely benign. Review status: criteria provided, multiple submitters, no conflicts (2 of 4 stars). 3 submissions from 3 submitters: Benign (2); Likely benign (1). Last evaluated 2025-09-27.

Conditions:
Vesicoureteral reflux 2 (VUR2). Identifiers: Orphanet 289365, MedGen C1970483, MONDO:0012573, OMIM 610878.

Allele frequency attached by ClinVar (database versions not stated): ESP Exome Variant Server 0.00048; gnomAD 0.00063; TOPMed 0.00063; 1000 Genomes Project 0.00100; 1000 Genomes Project 30x 0.00109.
gnomAD v4.1: 226 of 1,613,990 alleles (0.014%); highest among the groups gnomAD compares: African/African-American, 0.21%; no homozygotes.

Submissions (3):

Labcorp Genetics (formerly Invitae), Labcorp
Classification: Benign. Last evaluated: 2025-09-27. Review status: criteria provided, single submitter. Criteria: Invitae Variant Classification Sherloc (09022015). Collection method: clinical testing. Allele origin: germline.

Fulgent Genetics
Classification: Likely benign for Vesicoureteral reflux 2. Last evaluated: 2021-09-21. Review status: criteria provided, single submitter. Criteria: ACMG Guidelines, 2015. Collection method: clinical testing. Allele origin: unknown.

Illumina Laboratory Services, Illumina
Classification: Benign for Vesicoureteral reflux 2. Last evaluated: 2018-01-12. Review status: criteria provided, single submitter. Criteria: ICSL Variant Classification Criteria 13 December 2019. Collection method: clinical testing. Allele origin: germline.
Comment: This variant was observed in the ICSL laboratory as part of a predisposition screen in an ostensibly healthy population. It had not been previously curated by ICSL or reported in the Human Gene Mutation Database (HGMD: prior to June 1st, 2018), and was therefore a candidate for classification through an automated scoring system. Utilizing variant allele frequency, disease prevalence and penetrance estimates, and inheritance mode, an automated score was calculated to assess if this variant is too frequent to cause the disease. Based on the score and internal cut-off values, a variant classified as benign is not then subjected to further curation. The score for this variant resulted in a classification of benign for this disease.